The following is an entry in ClinVar:

NM_152703.5(SAMD9L):c.595T>C (p.Phe199Leu)

Gene: SAMD9L (sterile alpha motif domain containing 9 like; minus strand). Cytogenetic location: 7q21.2.
Variant type: single nucleotide variant.
Coding change: c.595T>C on transcript NM_152703.5 (MANE Select); coding-DNA position 595, T replaced by C.
Protein change: p.Phe199Leu; replaces phenylalanine 199 with leucine.
Molecular consequence: missense variant.
Genome position (GRCh38, 1-based): chr7:93,135,377, A>G on the plus strand (T>C on the coding strand, the complement: SAMD9L is on the minus strand). VCF-style: chr7-93135377-A-G. GRCh37 (hg19) VCF-style: chr7-92764690-A-G.
Other names: c.595T>C, p.Phe199Leu (NM_001303496.3, NM_001303497.3, NM_001303498.3 and 5 more transcripts); short protein forms F199L.
Identifiers: ClinVar variation 3949822 (VCV003949822.2).

ClinVar aggregate classification (germline): Uncertain significance. Review status: criteria provided, multiple submitters, no conflicts (2 of 4 stars). 2 submissions from 2 submitters: Uncertain significance (2). Last evaluated 2025-07-16.

Conditions:
Inborn genetic diseases. Identifiers: MedGen C0950123, MeSH D030342.

gnomAD v4.1: 1 of 1,614,012 alleles (0.000062%); no homozygotes.

Submissions (2):

Labcorp Genetics (formerly Invitae), Labcorp
Classification: Uncertain significance. Last evaluated: 2025-07-16. Review status: criteria provided, single submitter. Criteria: Invitae Variant Classification Sherloc (09022015). Collection method: clinical testing. Allele origin: germline.
Comment: This sequence change replaces phenylalanine, which is neutral and non-polar, with leucine, which is neutral and non-polar, at codon 199 of the SAMD9L protein (p.Phe199Leu). This variant is not present in population databases (gnomAD no frequency). This variant has not been reported in the literature in individuals affected with SAMD9L-related conditions. An algorithm developed to predict the effect of missense changes on protein structure and function (PolyPhen-2) suggests that this variant is likely to be disruptive. In summary, the available evidence is currently insufficient to determine the role of this variant in disease. Therefore, it has been classified as a Variant of Uncertain Significance.

Ambry Genetics
Classification: Uncertain significance for Inborn genetic diseases. Last evaluated: 2025-04-11. Review status: criteria provided, single submitter. Criteria: Ambry Variant Classification Scheme 2023. Collection method: clinical testing. Allele origin: germline.
Comment: The p.F199L variant (also known as c.595T>C), located in coding exon 1 of the SAMD9L gene, results from a T to C substitution at nucleotide position 595. The phenylalanine at codon 199 is replaced by leucine, an amino acid with highly similar properties. This amino acid position is conserved. In addition, the in silico prediction for this alteration is inconclusive. Based on the available evidence, the clinical significance of this variant remains unclear.